The following is an entry in ClinVar:

NM_001876.4(CPT1A):c.1441G>A (p.Val481Met)

Gene: CPT1A (carnitine palmitoyltransferase 1A; minus strand). Cytogenetic location: 11q13.3.
Variant type: single nucleotide variant.
Coding change: c.1441G>A on transcript NM_001876.4 (MANE Select); coding-DNA position 1441, G replaced by A.
Protein change: p.Val481Met; replaces valine 481 with methionine.
Molecular consequence: missense variant.
Genome position (GRCh38, 1-based): chr11:68,780,657, C>T on the plus strand (G>A on the coding strand, the complement: CPT1A is on the minus strand). VCF-style: chr11-68780657-C-T. GRCh37 (hg19) VCF-style: chr11-68548125-C-T.
Other names: c.1441G>A, p.Val481Met (NM_001031847.3); c.1441G>A (NM_001876.3); short protein forms V481M.
Identifiers: ClinVar variation 2150633 (VCV002150633.2), dbSNP rs772868108, ClinGen allele CA6152306.
Genomic context (GRCh38, chr11:68,780,657, plus strand): 5'-CAAAAGCAACTTCCACATTCAAGTGAAAAGTGTGAAAACTCACCTCCCAAAGGTGGGCCA[C>T]GATCGGCGCATCTGCCCAGGAGTGTTCAGCGTTGAGGCCCATCTTCCCGTTTTTGAAGAC-3'
Protein context (NP_001867.2, residues 471-491): AEHSWADAPI[Val481Met]AHLWEYVMSI

ClinVar aggregate classification (germline): Conflicting classifications of pathogenicity. Review status: criteria provided, conflicting classifications (1 of 4 stars). 2 submissions from 2 submitters: Uncertain significance (1); Likely benign (1). Last evaluated 2024-11-19.

Conditions:
Inborn genetic diseases. Identifiers: MedGen C0950123, MeSH D030342.
Carnitine palmitoyl transferase 1A deficiency. Also called: Carnitine palmitoyltransferase 1A deficiency; CPT I DEFICIENCY; CPT DEFICIENCY, HEPATIC, TYPE I; CPT deficiency, hepatic, type IA; Carnitine palmitoyltransferase type I deficiency. Identifiers: Orphanet 156, MedGen C1829703, MONDO:0009705, OMIM 255120.

Allele frequency attached by ClinVar (database versions not stated): ExAC 0.00001; gnomAD 0.00003; gnomAD exomes 0.00003; TOPMed 0.00003.

Submissions (2):

Ambry Genetics
Classification: Likely benign for Inborn genetic diseases. Last evaluated: 2024-11-19. Review status: criteria provided, single submitter. Criteria: Ambry Variant Classification Scheme 2023. Collection method: clinical testing. Allele origin: germline.

Labcorp Genetics (formerly Invitae), Labcorp
Classification: Uncertain significance for Carnitine palmitoyl transferase 1A deficiency. Last evaluated: 2022-04-13. Review status: criteria provided, single submitter. Criteria: Invitae Variant Classification Sherloc (09022015). Collection method: clinical testing. Allele origin: germline.
Comment: This sequence change replaces valine, which is neutral and non-polar, with methionine, which is neutral and non-polar, at codon 481 of the CPT1A protein (p.Val481Met). This variant is present in population databases (rs772868108, gnomAD 0.007%). This variant has not been reported in the literature in individuals affected with CPT1A-related conditions. Algorithms developed to predict the effect of missense changes on protein structure and function output the following: SIFT: "Tolerated"; PolyPhen-2: "Benign"; Align-GVGD: "Class C0". The methionine amino acid residue is found in multiple mammalian species, which suggests that this missense change does not adversely affect protein function. In summary, the available evidence is currently insufficient to determine the role of this variant in disease. Therefore, it has been classified as a Variant of Uncertain Significance.